The following is an entry in ClinVar:

ClinVar aggregate classification (germline): Conflicting classifications of pathogenicity. Review status: criteria provided, conflicting classifications (1 of 4 stars). 5 submissions from 5 submitters: Uncertain significance (1); Benign (2). 2 of the submissions do not count toward it. Last evaluated 2024-01-23.

Conditions:
Genetic non-acquired premature ovarian failure. Identifiers: Orphanet 485382, MedGen C5925042.
Premature ovarian failure 13 (POF13). Identifiers: MedGen C4479510, MONDO:0044317, OMIM 617442.
Spermatogenic failure 74 (SPGF74). Identifiers: MedGen C5677010, MONDO:0030972, OMIM 619937.
MSH5-related disorder. Also called: MSH5-related condition.

Allele frequency attached by ClinVar (database versions not stated): TOPMed 0.01031; gnomAD 0.01049 and 0.01161; ESP Exome Variant Server 0.01245; 1000 Genomes Project 30x 0.01280; 1000 Genomes Project 0.01478.
gnomAD v4.1: 24,667 of 1,613,010 alleles (1.5%); highest among the groups gnomAD compares: South Asian, 4.2%; 279 homozygotes.

Submissions (5):

Mendelics
Classification: Benign for Spermatogenic failure 74. Last evaluated: 2024-01-23. Review status: criteria provided, single submitter. Criteria: ACMG Guidelines, 2015. Collection method: clinical testing. Allele origin: unknown.

CeGaT Center for Human Genetics Tuebingen
Classification: Benign. Last evaluated: 2023-10-01. Review status: criteria provided, single submitter. Criteria: CeGaT Center For Human Genetics Tuebingen Variant Classification Criteria Version 2. Collection method: clinical testing. Allele origin: germline. Affected: yes. Observed: 10 variant alleles.
Comment: MSH5: PP3, BS1, BS2

Department of Pathology and Laboratory Medicine, Sinai Health System
Classification: Uncertain significance for Premature ovarian failure 13; Spermatogenic failure 74. Last evaluated: 2023-02-27. Review status: criteria provided, single submitter. Criteria: ACMG Guidelines, 2015. Collection method: research. Allele origin: germline.

Center for Reproductive Medicine, Shandong Provincial Hospital Affiliated to Shandong University
Classification: Pathogenic for Genetic non-acquired premature ovarian failure. Last evaluated: 2019-10-01. Review status: no assertion criteria provided. Collection method: research. Allele origin: unknown. Affected: yes. Observed: 2 variant alleles. Not counted in ClinVar's aggregate classification.

PreventionGenetics, part of Exact Sciences
Classification: Benign for MSH5-related condition. Last evaluated: 2019-09-24. Review status: no assertion criteria provided. Collection method: clinical testing. Allele origin: germline. Not counted in ClinVar's aggregate classification.
Comment: This variant is classified as benign based on ACMG/AMP sequence variant interpretation guidelines (Richards et al. 2015 PMID: 25741868, with internal and published modifications).

NM_172166.4(MSH5):c.1051C>G (p.Arg351Gly)

Genes: MSH5 (mutS homolog 5; plus strand), MSH5-SAPCD1 (MSH5-SAPCD1 readthrough (NMD candidate); plus strand). Cytogenetic location: 6p21.33.
Variant type: single nucleotide variant.
Coding change: c.1051C>G on transcript NM_172166.4 (MANE Select); coding-DNA position 1051, C replaced by G.
Protein change: p.Arg351Gly; replaces arginine 351 with glycine.
Molecular consequence: missense variant. On other transcripts: non-coding transcript variant (1).
Genome position (GRCh38, 1-based): chr6:31,758,201, C>G. VCF-style: chr6-31758201-C-G. GRCh37 (hg19) VCF-style: chr6-31725978-C-G.
Other names: c.1102C>G (NM_025259.5); c.1051C>G, p.Arg351Gly (NM_002441.5, NM_172165.4); c.1102C>G, p.Arg368Gly (NM_025259.6); short protein forms R351G, R368G.
Identifiers: ClinVar variation 1256029 (VCV001256029.29), dbSNP rs28399976, ClinGen allele CA3721215.